The following is an entry in ClinVar:

NM_001369268.1(ACAN):c.757+1G>A

Gene: ACAN (aggrecan; plus strand). Cytogenetic location: 15q26.1.
Variant type: single nucleotide variant.
Coding change: c.757+1G>A on transcript NM_001369268.1 (MANE Select); the canonical splice donor site of the intron after coding-DNA position 757, G replaced by A.
Molecular consequence: splice donor variant.
Genome position (GRCh38, 1-based): chr15:88,841,868, G>A. VCF-style: chr15-88841868-G-A. GRCh37 (hg19) VCF-style: chr15-89385099-G-A.
Other names: c.757+1G>A (NM_013227.4, NM_001411097.1, NM_001411096.1 and 1 more transcripts).
Identifiers: ClinVar variation 2505372 (VCV002505372.4), dbSNP rs2505242245, ClinGen allele CA393706219.

ClinVar aggregate classification (germline): Likely pathogenic. Review status: criteria provided, single submitter (1 of 4 stars). 2 submissions from 2 submitters: Likely pathogenic (1). 1 of the submissions does not count toward it. Last evaluated 2025-04-21.

Conditions:
Short stature and advanced bone age, with or without early-onset osteoarthritis and/or osteochondritis dissecans (SSOAOD). Identifiers: Orphanet 251262, MedGen C3665488, MONDO:0100462, OMIM 165800.
ACAN-related disorder. Also called: ACAN-related condition; ACAN-related disorders.

Submissions (2):

Women's Health and Genetics/Laboratory Corporation of America, LabCorp
Classification: Likely pathogenic for ACAN-Related Disorders. Last evaluated: 2025-04-21. Review status: criteria provided, single submitter. Criteria: LabCorp Variant Classification Summary - May 2015. Collection method: clinical testing. Allele origin: germline.
Comment: Variant summary: ACAN c.757+1G>A is located in a canonical splice-site and is predicted to affect mRNA splicing resulting in a significantly altered protein due to either exon skipping, shortening, or inclusion of intronic material. Variants that disrupt the consensus splice site are a relatively common cause of aberrant splicing and loss of ACAN function. Several computational tools predict a significant impact on normal splicing: Four predict the variant abolishes a 5' splicing donor site. However, these predictions have yet to be confirmed by functional studies. The variant was absent in 249106 control chromosomes. c.757+1G>A has been observed in a heterozygyos individual affected with ACAN-Related Disorders (Tang_2024). To our knowledge, no experimental evidence demonstrating an impact on protein function has been reported. The following publication have been ascertained in the context of this evaluation (PMID: 38613222). ClinVar contains an entry for this variant (Variation ID: 2505372). Based on the evidence outlined above, the variant was classified as likely pathogenic.

Chaochun Lab, Department of Endocrinology, Children's Hospital, Zhejiang University School Of Medicine
Classification: Likely pathogenic for Short stature and advanced bone age, with or without early-onset osteoarthritis and/or osteochondritis dissecans. Last evaluated: 2021-06-01. Review status: no assertion criteria provided. Collection method: clinical testing. Allele origin: maternal. Inheritance: Autosomal dominant inheritance. Affected: yes. Not counted in ClinVar's aggregate classification.
Comment: The novel heterozygous mutation c.757+1G>A in exon 5 in ACAN was not reported, which segregated in the index family.

Literature cited by the submitters: PubMed 38613222 (cited by Women's Health and Genetics/Laboratory Corporation of America, LabCorp).